The following is an entry in ClinVar:

NM_014159.7(SETD2):c.7101T>G (p.Ser2367=)

Gene: SETD2 (SET domain containing 2, histone lysine methyltransferase; minus strand). Cytogenetic location: 3p21.31.
Variant type: single nucleotide variant.
Coding change: c.7101T>G on transcript NM_014159.7 (MANE Select); coding-DNA position 7101, T replaced by G.
Protein change: p.Ser2367=; no amino-acid change (serine 2367 retained).
Molecular consequence: synonymous variant. On other transcripts: non-coding transcript variant (1).
Genome position (GRCh38, 1-based): chr3:47,042,698, A>C on the plus strand (T>G on the coding strand, the complement: SETD2 is on the minus strand). VCF-style: chr3-47042698-A-C. GRCh37 (hg19) VCF-style: chr3-47084188-A-C.
Other names: c.6969T>G, p.Ser2323= (NM_001349370.3).
Identifiers: ClinVar variation 745437 (VCV000745437.30), dbSNP rs149025565, ClinGen allele CA2362580.

ClinVar aggregate classification (germline): Likely benign. Review status: criteria provided, multiple submitters, no conflicts (2 of 4 stars). 2 submissions from 2 submitters: Likely benign (2). Last evaluated 2025-02-09.

Conditions:
Luscan-Lumish syndrome. Identifiers: Orphanet 597738, MedGen C4085873, MONDO:0014791, OMIM 616831.

Allele frequency attached by ClinVar (database versions not stated): gnomAD exomes 0.00006; ExAC 0.00009; gnomAD 0.00021 and 0.00022; ESP Exome Variant Server 0.00023; TOPMed 0.00027.
gnomAD v4.1: 60 of 1,597,368 alleles (0.0038%); highest among the groups gnomAD compares: African/African-American, 0.059%; no homozygotes.

Submissions (2):

Labcorp Genetics (formerly Invitae), Labcorp
Classification: Likely benign for Luscan-Lumish syndrome. Last evaluated: 2025-02-09. Review status: criteria provided, single submitter. Criteria: Invitae Variant Classification Sherloc (09022015). Collection method: clinical testing. Allele origin: germline.

CeGaT Center for Human Genetics Tuebingen
Classification: Likely benign. Last evaluated: 2024-03-01. Review status: criteria provided, single submitter. Criteria: CeGaT Center For Human Genetics Tuebingen Variant Classification Criteria Version 2. Collection method: clinical testing. Allele origin: germline. Affected: yes. Observed: 1 variant allele.
Comment: SETD2: BP4, BP7